The following is an entry in ClinVar:

ClinVar aggregate classification (germline): Uncertain significance. Review status: criteria provided, multiple submitters, no conflicts (2 of 4 stars). 4 submissions from 4 submitters: Uncertain significance (3). 1 of the submissions does not count toward it. Last evaluated 2025-07-25.

Conditions:
CACNA1A-related disorder. Also called: CACNA1A-related condition.
Developmental and epileptic encephalopathy, 42 (DEE42A). Also called: DEVELOPMENTAL AND EPILEPTIC ENCEPHALOPATHY 42A; EPILEPTIC ENCEPHALOPATHY, EARLY INFANTILE, 42A; Epileptic encephalopathy, early infantile, 42. Identifiers: MedGen C4310716, MONDO:0014917, OMIM 617106.
Episodic ataxia type 2 (EA2). Also called: ATAXIA, EPISODIC, WITH NYSTAGMUS; ATAXIA, FAMILIAL PAROXYSMAL; CEREBELLAR ATAXIA, PAROXYSMAL, ACETAZOLAMIDE-RESPONSIVE; CEREBELLOPATHY, HEREDITARY PAROXYSMAL; EPISODIC ATAXIA, NYSTAGMUS-ASSOCIATED; ACETAZOLAMIDE-RESPONSIVE HEREDITARY PAROXYSMAL CEREBELLAR ATAXIA. Identifiers: Orphanet 97, MedGen C1720416, MONDO:0007163, OMIM 108500.

Submissions (4):

GeneDx
Classification: Uncertain significance. Last evaluated: 2025-07-25. Review status: criteria provided, single submitter. Criteria: GeneDx Variant Classification Process June 2021. Collection method: clinical testing. Allele origin: germline. Affected: yes.
Comment: Not observed at significant frequency in large population cohorts (gnomAD); In-frame deletion of 1 amino acid in a non-repeat region; In silico analysis supports a deleterious effect on protein structure/function; Has not been previously published as pathogenic or benign to our knowledge

Labcorp Genetics (formerly Invitae), Labcorp
Classification: Uncertain significance for Developmental and epileptic encephalopathy, 42; Episodic ataxia type 2. Last evaluated: 2025-03-19. Review status: criteria provided, single submitter. Criteria: Invitae Variant Classification Sherloc (09022015). Collection method: clinical testing. Allele origin: germline.
Comment: This variant, c.6309_6311del, results in the deletion of 1 amino acid(s) of the CACNA1A protein (p.Arg2105del), but otherwise preserves the integrity of the reading frame. This variant is present in population databases (rs750511224, gnomAD 0.001%). This variant has not been reported in the literature in individuals affected with CACNA1A-related conditions. Experimental studies and prediction algorithms are not available or were not evaluated, and the functional significance of this variant is currently unknown. In summary, the available evidence is currently insufficient to determine the role of this variant in disease. Therefore, it has been classified as a Variant of Uncertain Significance.

Blueprint Genetics
Classification: Uncertain significance. Last evaluated: 2024-11-04. Review status: criteria provided, single submitter. Criteria: ACMG Guidelines, 2015. Collection method: clinical testing. Allele origin: germline.

PreventionGenetics, part of Exact Sciences
Classification: Uncertain significance for CACNA1A-related condition. Last evaluated: 2024-03-05. Review status: no assertion criteria provided. Collection method: clinical testing. Allele origin: germline. Not counted in ClinVar's aggregate classification.
Comment: The CACNA1A c.6306_6308delGAG variant is predicted to result in an in-frame deletion (p.Arg2104del). To our knowledge, this variant has not been reported in the literature. This variant is reported in 0.0027% of alleles in individuals of European (Non-Finnish) descent in gnomAD. At this time, the clinical significance of this variant is uncertain due to the absence of conclusive functional and genetic evidence.

NM_001127221.1(CACNA1A):c.6309_6311del

Gene: CACNA1A (calcium voltage-gated channel subunit alpha1 A; minus strand). Cytogenetic location: 19p13.13.
Variant type: Microsatellite.
Coding change: c.6309_6311del on transcript NM_001127221.1; coding-DNA positions 6309 to 6311, 3 bases deleted (GAG; older notation c.6309_6311delGAG).
Genome position (GRCh38, 1-based): chr19:13,210,648-13,210,650, CTC deleted on the plus strand (GAG on the coding strand, the reverse complement: CACNA1A is on the minus strand); deleting any 3 consecutive bases within chr19:13,210,648-13,210,653 gives the same sequence; the c. name uses the placement nearest the transcript's 3' end. VCF-style (leftmost placement, unchanged base first): chr19-13210647-TCTC-T. GRCh37 (hg19) VCF-style: chr19-13321461-TCTC-T.
Other names: c.6309_6311delGAG (NM_001127221.1).
Identifiers: ClinVar variation 1203021 (VCV001203021.13), dbSNP rs750511224, ClinGen allele CA9239390.